The following is an entry in ClinVar:

NM_000540.3(RYR1):c.5150T>G (p.Ile1717Ser)

Gene: RYR1 (ryanodine receptor 1; plus strand). Cytogenetic location: 19q13.2.
Variant type: single nucleotide variant.
Coding change: c.5150T>G on transcript NM_000540.3 (MANE Select); coding-DNA position 5150, T replaced by G.
Protein change: p.Ile1717Ser; replaces isoleucine 1717 with serine.
Molecular consequence: missense variant.
Genome position (GRCh38, 1-based): chr19:38,485,805, T>G. VCF-style: chr19-38485805-T-G. GRCh37 (hg19) VCF-style: chr19-38976445-T-G.
Other names: c.5150T>G, p.Ile1717Ser (NM_001042723.2); short protein forms I1717S.
Identifiers: ClinVar variation 1438746 (VCV001438746.8), dbSNP rs1568484483, ClinGen allele CA405653987.

ClinVar aggregate classification (germline): Uncertain significance. Review status: criteria provided, multiple submitters, no conflicts (2 of 4 stars). 3 submissions from 3 submitters: Uncertain significance (3). Last evaluated 2025-07-18.

Conditions:
RYR1-related disorder. Also called: RYR1-related condition; RYR1-related disorders. Identifiers: MedGen CN239331.
Central core myopathy (CMYO1A). Also called: CONGENITAL MYOPATHY 1A, AUTOSOMAL DOMINANT, WITH SUSCEPTIBILITY TO MALIGNANT HYPERTHERMIA; Central core disease; Myopathy, central fibrillar. Identifiers: Orphanet 597, MedGen C5830701, MONDO:0007294, OMIM 117000.
Congenital multicore myopathy with external ophthalmoplegia (CMYO1B). Also called: Congenital myopathy 1B, autosomal recessive; Minicore myopathy; MULTICORE MYOPATHY; MULTIMINICORE DISEASE WITH EXTERNAL OPHTHALMOPLEGIA; Minicore myopathy with external ophthalmoplegia. Identifiers: Orphanet 598, Orphanet 98905, MedGen C1850674, MONDO:0009712, OMIM 255320, HP:0003789.
King Denborough syndrome (KDS). Identifiers: MedGen C1840365, MONDO:0020485, OMIM 619542.
Malignant hyperthermia, susceptibility to, 1 (MHS1). Also called: RYR1-Related Malignant Hyperthermia Susceptibility; Malignant hyperthermia suceptibility 1; Anesthesia related hyperthermia; Malignant hyperpyrexia; Fulminating hyperpyrexia; Pharmacogenic myopathy. Identifiers: Orphanet 423, MedGen C2930980, MONDO:0007783, OMIM 145600.
Congenital myopathy with fiber type disproportion. Also called: Congenital fiber-type disproportion; Congenital fiber-type disproportion myopathy. Identifiers: Orphanet 2020, MedGen C0546264, MONDO:0009711. Inheritance: all.

gnomAD v4.1: 1 of 1,613,364 alleles (0.000062%); highest among the groups gnomAD compares: Non-Finnish European, 0.000085%; no homozygotes.

Submissions (3):

Labcorp Genetics (formerly Invitae), Labcorp
Classification: Uncertain significance for RYR1-related disorder. Last evaluated: 2025-07-18. Review status: criteria provided, single submitter. Criteria: Invitae Variant Classification Sherloc (09022015). Collection method: clinical testing. Allele origin: germline.
Comment: This sequence change replaces isoleucine, which is neutral and non-polar, with serine, which is neutral and polar, at codon 1717 of the RYR1 protein (p.Ile1717Ser). This variant is not present in population databases (gnomAD no frequency). This variant has not been reported in the literature in individuals affected with RYR1-related conditions. ClinVar contains an entry for this variant (Variation ID: 1438746). Invitae Evidence Modeling of protein sequence and biophysical properties (such as structural, functional, and spatial information, amino acid conservation, physicochemical variation, residue mobility, and thermodynamic stability) indicates that this missense variant is not expected to disrupt RYR1 protein function with a negative predictive value of 80%. In summary, the available evidence is currently insufficient to determine the role of this variant in disease. Therefore, it has been classified as a Variant of Uncertain Significance.

All of Us Research Program, National Institutes of Health
Classification: Uncertain significance for Malignant hyperthermia, susceptibility to, 1. Last evaluated: 2023-11-30. Review status: criteria provided, single submitter. Criteria: ACMG Guidelines, 2015. Collection method: clinical testing. Allele origin: germline. Inheritance: Autosomal dominant inheritance. Observed: 1 variant allele, 1 heterozygote.
Comment: This study involves interpretation of variants in research participants for the purpose of population health screening. Participant phenotype was not available at the time of variant classification. Additional details can be found in publication PMID: 35346344, PMCID: PMC8962531

Fulgent Genetics
Classification: Uncertain significance for Central core myopathy; Malignant hyperthermia, susceptibility to, 1; Congenital myopathy 4A, autosomal dominant; Congenital multicore myopathy with external ophthalmoplegia; King Denborough syndrome. Last evaluated: 2021-08-03. Review status: criteria provided, single submitter. Criteria: ACMG Guidelines, 2015. Collection method: clinical testing. Allele origin: unknown.